The following is an entry in ClinVar:

ClinVar aggregate classification (germline): Uncertain significance (1 of 4 stars; one submission).

Conditions:
Inborn genetic diseases. Identifiers: MedGen C0950123, MeSH D030342.

Submission:

Ambry Genetics
Classification: Uncertain significance for Inborn genetic diseases. Last evaluated: 2025-06-20. Review status: criteria provided, single submitter. Criteria: Ambry Variant Classification Scheme 2023. Collection method: clinical testing. Allele origin: germline.
Comment: The p.G279C variant (also known as c.835G>T), located in coding exon 3 of the WT1 gene, results from a G to T substitution at nucleotide position 835. The glycine at codon 279 is replaced by cysteine, an amino acid with highly dissimilar properties. This amino acid position is conserved. In addition, the in silico prediction for this alteration is inconclusive. Based on the available evidence, the clinical significance of this variant remains unclear.

NM_024426.6(WT1):c.850G>T (p.Gly284Cys)

Gene: WT1 (WT1 transcription factor; minus strand). Cytogenetic location: 11p13.
Variant type: single nucleotide variant.
Coding change: c.850G>T on transcript NM_024426.6 (MANE Select); coding-DNA position 850, G replaced by T.
Protein change: p.Gly284Cys; replaces glycine 284 with cysteine.
Molecular consequence: missense variant. On other transcripts: non-coding transcript variant (2).
Genome position (GRCh38, 1-based): chr11:32,427,993, C>A on the plus strand (G>T on the coding strand, the complement: WT1 is on the minus strand). VCF-style: chr11-32427993-C-A. GRCh37 (hg19) VCF-style: chr11-32449539-C-A.
Other names: c.850G>T, p.Gly284Cys (NM_000378.6, NM_001407044.1, NM_001407045.1 and 4 more transcripts); c.199G>T, p.Gly67Cys (NM_001198551.2, NM_001198552.2); c.727G>T, p.Gly243Cys (NM_001407047.1, NM_001407050.1); c.88G>T, p.Gly30Cys (NM_001407051.1); c.631G>T, p.Gly211Cys (NM_001429031.1, NM_001429032.1, NM_001429033.1 and 1 more transcripts); short protein forms G30C, G67C, G279C, G211C, G243C, G284C.
Identifiers: ClinVar variation 4202216 (VCV004202216.1).
Genomic context (GRCh38, chr11:32,427,993, plus strand): 5'-CGCAGAGCCCAGCGCCTTCCTACCTGCTGTAGGGCGTCCTCAGCAGCAAAGCCTGGCTGC[C>A]GGTGCAGCTGTCGGTGGGGGTGTGGCAGCCATAGACCGGGGGCGGCACCGAGTACTGCTG-3'
Protein context (NP_077744.4, residues 274-294): GCHTPTDSCT[Gly284Cys]SQALLLRTPY